The following is an entry in ClinVar:

ClinVar aggregate classification (germline): Uncertain significance (1 of 4 stars; one submission).

Conditions:
Hereditary cancer-predisposing syndrome. Also called: Neoplastic Syndromes, Hereditary; Tumor predisposition; Hereditary neoplastic syndrome; Hereditary Cancer Syndrome. Identifiers: Orphanet 140162, MedGen C0027672, MeSH D009386, MONDO:0015356.
Cardiovascular phenotype. Identifiers: MedGen CN230736.

Submission:

Ambry Genetics
Classification: Uncertain significance for Cardiovascular phenotype; Hereditary cancer-predisposing syndrome. Last evaluated: 2023-10-26. Review status: criteria provided, single submitter. Criteria: Ambry Variant Classification Scheme 2023. Collection method: clinical testing. Allele origin: germline.
Comment: The c.3497-3T>A intronic variant results from a T to A substitution 3 nucleotides before coding exon 27 in the NF1 gene. This nucleotide position is poorly conserved in available vertebrate species. In silico splice site analysis for this alteration is inconclusive. Since supporting evidence is limited at this time, the clinical significance of this alteration remains unclear.

NM_001042492.3(NF1):c.3497-3T>A

Gene: NF1 (neurofibromin 1; plus strand). Cytogenetic location: 17q11.2.
Variant type: single nucleotide variant.
Coding change: c.3497-3T>A on transcript NM_001042492.3 (MANE Select); 3 bases into the intron before coding-DNA position 3497, T replaced by A.
Molecular consequence: intron variant.
Genome position (GRCh38, 1-based): chr17:31,232,999, T>A. VCF-style: chr17-31232999-T-A. GRCh37 (hg19) VCF-style: chr17-29560017-T-A.
Other names: c.3497-3T>A (NM_000267.4).
Identifiers: ClinVar variation 3237734 (VCV003237734.1), dbSNP rs2067140936.
Genomic context (GRCh38, chr17:31,232,999, plus strand): 5'-GAGAAGCAAAAATTACTTCAGCAAGGCCATGTTAGTAAATTTGCATCTGTTTGTCCACAT[T>A]AGGCTTAGGTTACCACAAGGATCTCCAGACAAGAGCTACATTTATGGAAGTTCTGACAAA-3'